The following is an entry in ClinVar:

NM_000360.4(TH):c.614T>C (p.Leu205Pro)

Gene: TH (tyrosine hydroxylase; minus strand). Cytogenetic location: 11p15.5.
Variant type: single nucleotide variant.
Coding change: c.614T>C on transcript NM_000360.4 (MANE Select); coding-DNA position 614, T replaced by C.
Protein change: p.Leu205Pro; replaces leucine 205 with proline.
Molecular consequence: missense variant.
Genome position (GRCh38, 1-based): chr11:2,167,896, A>G on the plus strand (T>C on the coding strand, the complement: TH is on the minus strand). VCF-style: chr11-2167896-A-G. GRCh37 (hg19) VCF-style: chr11-2189126-A-G.
Other names: c.707T>C, p.Leu236Pro (NM_199292.3); c.695T>C, p.Leu232Pro (NM_199293.3); short protein forms L236P, L205P, L232P.
Identifiers: ClinVar variation 12325 (VCV000012325.61), dbSNP rs121917763, ClinGen allele CA341191.

ClinVar aggregate classification (germline): Pathogenic/Likely pathogenic. Review status: criteria provided, multiple submitters, no conflicts (2 of 4 stars). 13 submissions from 13 submitters: Pathogenic (7); Likely pathogenic (3). 3 of the submissions do not count toward it. Last evaluated 2025-09-19.

Conditions:
TH-deficient dopa-responsive dystonia. Also called: DYT-TH; Segawa syndrome, autosomal recessive; Tyrosine Hydroxylase-Deficient Dopa-Responsive Dystonia. Identifiers: Orphanet 101150, MedGen C2673535, MONDO:0011551, OMIM 605407.

Allele frequency attached by ClinVar (database versions not stated): TOPMed 0.00001; gnomAD exomes below 0.00001 and 0.00001; ExAC 0.00001; gnomAD 0.00001.
gnomAD v4.1: 7 of 1,610,598 alleles (0.00043%); highest among the groups gnomAD compares: African/African-American, 0.0013%; no homozygotes.

Submissions (13):

First Genomix Gene Laboratory, Genetic Diagnostics Department
Classification: Pathogenic for TH-deficient dopa-responsive dystonia. Last evaluated: 2025-09-19. Review status: criteria provided, single submitter. Criteria: ACMG Guidelines, 2015. Collection method: clinical testing. Allele origin: germline. Inheritance: Autosomal recessive inheritance. Affected: no. Observed: 1 variant allele.

Natera, Inc.
Classification: Likely pathogenic for Autosomal recessive Segawa syndrome. Last evaluated: 2025-08-20. Review status: criteria provided, single submitter. Criteria: Natera Variant Classification Schema (03/2026). Collection method: clinical testing. Allele origin: germline.
Comment: The c.707T>C variant in TH is a missense variant predicted to cause substitution of leucine to proline at amino acid 236. This variant is rare in the general population with a frequency below the threshold expected for the associated phenotype(s). This variant has been observed in one or more individuals affected with the associated recessive disease, as either homozygous or compound heterozygous with a second variant (PMID: 20198643). Functional studies show that this variant may disrupt protein function (PMID: 8817341). Given the available evidence, this variant is classified as Likely Pathogenic.

CeGaT Center for Human Genetics Tuebingen
Classification: Likely pathogenic. Last evaluated: 2024-07-01. Review status: criteria provided, single submitter. Criteria: CeGaT Center For Human Genetics Tuebingen Variant Classification Criteria Version 2. Collection method: clinical testing. Allele origin: germline. Affected: yes. Observed: 3 variant alleles.
Comment: TH: PM2, PM3, PS3:Moderate

Labcorp Genetics (formerly Invitae), Labcorp
Classification: Pathogenic for TH-deficient dopa-responsive dystonia. Last evaluated: 2024-03-10. Review status: criteria provided, single submitter. Criteria: Invitae Variant Classification Sherloc (09022015). Collection method: clinical testing. Allele origin: germline.
Comment: This sequence change replaces leucine, which is neutral and non-polar, with proline, which is neutral and non-polar, at codon 236 of the TH protein (p.Leu236Pro). This variant is present in population databases (rs121917763, gnomAD 0.003%). This missense change has been observed in individual(s) with tyrosine hydroxylase deficiency (PMID: 2019643, 8817341, 12891655, 19282209, 20430833, 23480488, 24753243; Invitae). In at least one individual the data is consistent with being in trans (on the opposite chromosome) from a pathogenic variant. This variant is also known as c.614T>C (p.Leu205Pro). ClinVar contains an entry for this variant (Variation ID: 12325). Advanced modeling of protein sequence and biophysical properties (such as structural, functional, and spatial information, amino acid conservation, physicochemical variation, residue mobility, and thermodynamic stability) has been performed at Invitae for this missense variant, however the output from this modeling did not meet the statistical confidence thresholds required to predict the impact of this variant on TH protein function. Experimental studies have shown that this missense change affects TH function (PMID: 8817341). For these reasons, this variant has been classified as Pathogenic.

GeneDx
Classification: Pathogenic. Last evaluated: 2024-02-15. Review status: criteria provided, single submitter. Criteria: GeneDx Variant Classification Process June 2021. Collection method: clinical testing. Allele origin: germline. Affected: yes.
Comment: Published functional studies demonstrate a damaging effect, such that the mutant enzyme shows reduced activity compared to wild-type (PMID: 24753243, 8817341); Not observed at significant frequency in large population cohorts (gnomAD); This variant is associated with the following publications: (PMID: 8817341, 23480488, 34426522, 38084654, 24753243)

Laboratory of Medical Genetics, National & Kapodistrian University of Athens
Classification: Pathogenic for TH-deficient dopa-responsive dystonia. Last evaluated: 2024-02-01. Review status: criteria provided, single submitter. Criteria: ACMG Guidelines, 2015. Collection method: curation. Allele origin: germline. Affected: no.

Fulgent Genetics
Classification: Likely pathogenic for TH-deficient dopa-responsive dystonia. Last evaluated: 2023-12-28. Review status: criteria provided, single submitter. Criteria: ACMG Guidelines, 2015. Collection method: clinical testing. Allele origin: germline.

Baylor Genetics
Classification: Pathogenic for TH-deficient dopa-responsive dystonia. Last evaluated: 2023-10-16. Review status: criteria provided, single submitter. Criteria: ACMG Guidelines, 2015. Collection method: clinical testing. Allele origin: unknown.

Centre for Mendelian Genomics, University Medical Centre Ljubljana
Classification: Pathogenic for TH-deficient dopa-responsive dystonia. Last evaluated: 2019-07-01. Review status: criteria provided, single submitter. Criteria: ACMG Guidelines, 2015. Collection method: clinical testing. Allele origin: unknown. Affected: yes.
Comment: This variant was classified as: Pathogenic. The following ACMG criteria were applied in classifying this variant: PS1,PS3,PM2,PP3. This variant was detected in homozygous state.

Laboratory Cellgenetics, GMDL Cellgenetics
Classification: Pathogenic for TH-deficient dopa-responsive dystonia. Review status: criteria provided, single submitter. Criteria: ACMG Guidelines, 2015. Collection method: clinical testing. Allele origin: paternal. Inheritance: Autosomal recessive inheritance. Affected: yes. Observed: 1 compound heterozygote.
Comment: The following ACMG criteria were applied in classifying this variant: PS1,PS3,PM2,PP3. This variant was detected in compound heterozygous state with c.605G>A (p.Arg202His).

Counsyl
Classification: Likely pathogenic for TH-deficient dopa-responsive dystonia. Last evaluated: 2016-11-04. Review status: no assertion criteria provided. Collection method: clinical testing. Allele origin: unknown. Not counted in ClinVar's aggregate classification.

OMIM
Classification: Pathogenic for SEGAWA SYNDROME, AUTOSOMAL RECESSIVE. Last evaluated: 1999-06-01. Review status: no assertion criteria provided. Collection method: literature only. Allele origin: germline. Not counted in ClinVar's aggregate classification.

GeneReviews
No classification provided. Condition: TH-deficient dopa-responsive dystonia. Review status: no classification provided. Collection method: literature only. Allele origin: germline. Not counted in ClinVar's aggregate classification.
Comment: Founder variant in Greek population

Literature cited by the submitters: PubMed 20198643 (cited by 3 submitters); PubMed 8817341 (cited by 5 submitters); PubMed 2019643 (cited by Labcorp Genetics (formerly Invitae), Labcorp); PubMed 12891655 (cited by Labcorp Genetics (formerly Invitae), Labcorp); PubMed 19282209 (cited by Labcorp Genetics (formerly Invitae), Labcorp); PubMed 20430833 (cited by 3 submitters); PubMed 23480488 (cited by Labcorp Genetics (formerly Invitae), Labcorp and Counsyl); PubMed 24753243 (cited by Labcorp Genetics (formerly Invitae), Labcorp and Laboratory Cellgenetics, GMDL Cellgenetics); PubMed 10407773 (cited by OMIM); PubMed 20301610 (cited by GeneReviews).